The following is an entry in ClinVar:

NM_031466.8(TRAPPC9):c.-124dup

Gene: TRAPPC9 (trafficking protein particle complex subunit 9; minus strand). Cytogenetic location: 8q24.3.
Variant type: Duplication.
Coding change: c.-124dup on transcript NM_031466.8; 124 bases upstream of the start codon, one base duplicated (G; older notation c.-124dupG).
Molecular consequence: 5 prime UTR variant.
Genome position (GRCh38, 1-based): chr8:140,458,394, C duplicated on the plus strand (G on the coding strand, the reverse complement: TRAPPC9 is on the minus strand); the first of 6 consecutive C bases (chr8:140,458,394-140,458,399); duplicating any one gives the same sequence. VCF-style (leftmost placement, unchanged base first): chr8-140458393-A-AC. GRCh37 (hg19) VCF-style: chr8-141468492-A-AC.
Identifiers: ClinVar variation 1323708 (VCV001323708.10), dbSNP rs765943218, ClinGen allele CA4893864.

ClinVar aggregate classification (germline): Pathogenic. Review status: criteria provided, multiple submitters, no conflicts (2 of 4 stars). 2 submissions from 2 submitters: Pathogenic (2). Last evaluated 2024-10-29.

Conditions:
Intellectual developmental disorder, autosomal recessive 13. Also called: Intellectual disability, autosomal recessive 13. Identifiers: Orphanet 88616, MedGen C2750791, MONDO:0013173, OMIM 613192.

Submissions (2):

Labcorp Genetics (formerly Invitae), Labcorp
Classification: Pathogenic. Last evaluated: 2024-10-29. Review status: criteria provided, single submitter. Criteria: Invitae Variant Classification Sherloc (09022015). Collection method: clinical testing. Allele origin: germline.
Comment: This sequence change creates a premature translational stop signal (p.Tyr58Valfs*3) in the TRAPPC9 gene. It is expected to result in an absent or disrupted protein product. Loss-of-function variants in TRAPPC9 are known to be pathogenic (PMID: 2000476, 20004763, 20004764). The frequency data for this variant in the population databases is considered unreliable, as metrics indicate poor data quality at this position in the gnomAD database. This variant has not been reported in the literature in individuals affected with TRAPPC9-related conditions. ClinVar contains an entry for this variant (Variation ID: 1323708). For these reasons, this variant has been classified as Pathogenic.

Revvity Omics, Revvity
Classification: Pathogenic for Intellectual developmental disorder, autosomal recessive 13. Last evaluated: 2019-12-10. Review status: criteria provided, single submitter. Criteria: ACMG Guidelines, 2015. Collection method: clinical testing. Allele origin: germline.

Literature cited by the submitters: PubMed 2000476 (cited by Labcorp Genetics (formerly Invitae), Labcorp); PubMed 20004763 (cited by Labcorp Genetics (formerly Invitae), Labcorp); PubMed 20004764 (cited by Labcorp Genetics (formerly Invitae), Labcorp).